The following is an entry in ClinVar:

NM_004364.5(CEBPA):c.334_336del (p.Pro112del)

Gene: CEBPA (CCAAT enhancer binding protein alpha; minus strand). Cytogenetic location: 19q13.11.
Variant type: Deletion.
Coding change: c.334_336del on transcript NM_004364.5 (MANE Select); coding-DNA positions 334 to 336, 3 bases deleted (CCC; older notation c.334_336delCCC).
Protein change: p.Pro112del; deletes proline 112.
Molecular consequence: inframe deletion. On other transcripts: 5 prime UTR variant (1).
Genome position (GRCh38, 1-based): chr19:33,302,079-33,302,081, GGG deleted on the plus strand (CCC on the coding strand, the reverse complement: CEBPA is on the minus strand). VCF-style (leftmost placement, unchanged base first): chr19-33302078-CGGG-C. GRCh37 (hg19) VCF-style: chr19-33792984-CGGG-C.
Other names: c.-24_-22del (NM_001285829.2); c.439_441del, p.Pro147del (NM_001287424.2); c.292_294del, p.Pro98del (NM_001287435.2); c.334_336delCCC (NM_004364.5); short protein forms P112del, P147del, P98del.
Identifiers: ClinVar variation 1343788 (VCV001343788.1), dbSNP rs2513332000, ClinGen allele CA2580096798.

ClinVar aggregate classification (germline): Likely pathogenic (1 of 4 stars; one submission).

Conditions:
Acute myeloid leukemia (AML). Also called: Leukemia, acute myeloid, somatic; Leukemia, acute myelogenous, somatic; Acute myeloid leukemia, adult; AML adult; Acute non-lymphocytic leukemia; Acute granulocytic leukemia. Identifiers: Orphanet 519, MedGen C0023467, MeSH D015470, MONDO:0018874, OMIM 601626, HP:0004808. Disease mechanism: Constitutively activated FLT3.

Submission:

Genomic Diagnostics Laboratory, National Institute of Medical Genomics
Classification: Likely pathogenic for Acute myeloid leukemia. Review status: criteria provided, single submitter. Criteria: AMP Guidelines, 2017. Collection method: clinical testing. Allele origin: somatic. Affected: yes.
Comment: The variant was detected in bone marrow from patients, but it was not confirmed in the matched